The following is an entry in ClinVar:

NM_001164508.2(NEB):c.24208_24212dup (p.Tyr8072fs)

Genes: RIF1 (replication timing regulatory factor 1; plus strand), NEB (nebulin; minus strand). Cytogenetic location: 2q23.3.
Variant type: Duplication.
Coding change: c.24208_24212dup on transcript NM_001164508.2 (MANE Select); coding-DNA positions 24208 to 24212, 5 bases duplicated (GTGTT; older notation c.24208_24212dupGTGTT).
Protein change: p.Tyr8072fs; shifts the reading frame from tyrosine 8072.
Molecular consequence: frameshift variant. On other transcripts: intron variant (1).
Genome position (GRCh38, 1-based): chr2:151,497,714-151,497,718, AACAC duplicated on the plus strand (GTGTT on the coding strand, the reverse complement: NEB is on the minus strand). VCF-style (leftmost placement, unchanged base first): chr2-151497713-T-TAACAC. GRCh37 (hg19) VCF-style: chr2-152354227-T-TAACAC.
Other names: NM_001164508.2(NEB):c.24208_24212dup; p.Tyr8072fs; c.24313_24317dup (NM_001271208.1); c.24208_24212dup, p.Tyr8072fs (NM_001164507.2); c.24313_24317dup, p.Tyr8107fs (NM_001271208.2); c.18826-1350_18826-1346dup (NM_004543.5); short protein forms Y8107fs, Y8072fs.
Identifiers: ClinVar variation 553170 (VCV000553170.13), dbSNP rs1553552413, ClinGen allele CA658821207.
Genomic context (GRCh38, chr2:151,497,713, plus strand): 5'-GACTCTTTCCATCTCGGGAGTGACAGGTAAAGGGGTTCCCTTGCCCATGTTTTCTTTGTA[T>TAACAC]AACACCTGTGCGATAAGAAAGCATCCAGAAAAACAACCATGAGTAACATTTCATTTCTTG-3'

ClinVar aggregate classification (germline): Pathogenic/Likely pathogenic. Review status: criteria provided, multiple submitters, no conflicts (2 of 4 stars). 6 submissions from 6 submitters: Pathogenic (2); Likely pathogenic (3). 1 of the submissions does not count toward it. Last evaluated 2025-02-26.

Conditions:
Arthrogryposis multiplex congenita 6. Identifiers: MedGen C5543431, MONDO:0030281, OMIM 619334.
Nemaline myopathy. Also called: Myopathies, Nemaline. Identifiers: Orphanet 607, MedGen C0206157, MONDO:0018958.
Nemaline myopathy 2 (NEM2). Also called: Nemaline myopathy 2, autosomal recessive. Identifiers: MedGen C1850569, MONDO:0009725, OMIM 256030.

Allele frequency attached by ClinVar (database versions not stated): gnomAD exomes below 0.00001; gnomAD 0.00001.

Submissions (6):

Broad Center for Mendelian Genomics, Broad Institute of MIT and Harvard
Classification: Likely pathogenic for Nemaline myopathy. Last evaluated: 2025-02-26. Review status: criteria provided, single submitter. Criteria: ACMG Guidelines, 2015. Collection method: curation. Allele origin: germline. Inheritance: Autosomal recessive inheritance.
Comment: The p.Tyr8072CysfsTer75 variant in NEB has not been previously reported in the literature in individuals with nemaline myopathy, but has been identified in 0.001% (1/74268) of African/African American chromosomes by the Genome Aggregation Database (gnomAD; dbSNP ID: rs2061157682). Although this variant has been seen in the general population in a heterozygous state, its frequency is low enough to be consistent with a recessive carrier frequency. This variant has also been reported in ClinVar (Variation ID: 553170) and has been interpreted as pathogenic by Counsyl, Baylor Genetics, and Invitae. This variant is predicted to cause a frameshift, which alters the protein‚Äôs amino acid sequence beginning at position 8072 and leads to a premature termination codon 75 amino acids downstream. This alteration is then predicted to lead to a truncated or absent protein. Loss of function of the NEB gene is an established disease mechanism in autosomal recessive nemaline myopathy. In summary, although additional studies are required to fully establish its clinical significance, this variant is likely pathogenic for autosomal recessive nemaline myopathy. ACMG/AMP Criteria applied: PVS1, PM2_supporting (Richards 2015).

Natera, Inc.
Classification: Likely pathogenic for Nemaline myopathy type 2. Last evaluated: 2025-02-21. Review status: criteria provided, single submitter. Criteria: Natera Variant Classification Schema (03/2026). Collection method: clinical testing. Allele origin: germline.
Comment: The c.24313_24317dup variant in NEB is a frameshift variant predicted to shift the reading frame beginning at codon 8107 and leads to a stop codon 75 codons downstream. This variant is expected to result in nonsense mediated decay, truncation, or a dysfunctional protein product. This variant is rare in the general population with a frequency below the threshold expected for the associated phenotype(s). Given the available evidence, this variant is classified as Likely Pathogenic.

Labcorp Genetics (formerly Invitae), Labcorp
Classification: Pathogenic for Nemaline myopathy 2. Last evaluated: 2024-07-03. Review status: criteria provided, single submitter. Criteria: Invitae Variant Classification Sherloc (09022015). Collection method: clinical testing. Allele origin: germline.
Comment: This sequence change creates a premature translational stop signal (p.Tyr8107Cysfs*75) in the NEB gene. It is expected to result in an absent or disrupted protein product. Loss-of-function variants in NEB are known to be pathogenic (PMID: 25205138). This variant is not present in population databases (gnomAD no frequency). This variant has not been reported in the literature in individuals affected with NEB-related conditions. ClinVar contains an entry for this variant (Variation ID: 553170). For these reasons, this variant has been classified as Pathogenic.

Baylor Genetics
Classification: Likely pathogenic for Arthrogryposis multiplex congenita 6. Last evaluated: 2024-02-07. Review status: criteria provided, single submitter. Criteria: ACMG Guidelines, 2015. Collection method: clinical testing. Allele origin: unknown.

Juno Genomics, Hangzhou Juno Genomics, Inc
Classification: Pathogenic for Nemaline myopathy 2. Review status: criteria provided, single submitter. Criteria: ACMG Guidelines, 2015. Collection method: clinical testing. Allele origin: germline. Affected: yes.
Comment: Absent from controls (or at extremely low frequency if recessive) in Genome Aggregation Database, Exome Sequencing Project, 1000 Genomes Project, or Exome Aggregation Consortium.;Null variant in a gene where loss of function (LOF) is a known mechanism of disease.;Patient's phenotype or family history is highly specific for a disease with a single genetic etiology.

Counsyl
Classification: Likely pathogenic for Nemaline myopathy 2. Last evaluated: 2017-08-01. Review status: no assertion criteria provided. Collection method: clinical testing. Allele origin: unknown. Not counted in ClinVar's aggregate classification.

Literature cited by the submitters: PubMed 25205138 (cited by Labcorp Genetics (formerly Invitae), Labcorp).